The following is an entry in ClinVar:

ClinVar aggregate classification (germline): Pathogenic/Likely pathogenic. Review status: criteria provided, multiple submitters, no conflicts (2 of 4 stars). 2 submissions from 2 submitters: Pathogenic (1); Likely pathogenic (1). Last evaluated 2024-01-20.

Conditions:
Pyruvate dehydrogenase E1-beta deficiency (PDHBD). Identifiers: Orphanet 255138, Orphanet 765, MedGen C3279841, MONDO:0013580, OMIM 614111.

Allele frequency attached by ClinVar (database versions not stated): gnomAD exomes below 0.00001; TOPMed below 0.00001.

Submissions (2):

Baylor Genetics
Classification: Likely pathogenic for Pyruvate dehydrogenase E1-beta deficiency. Last evaluated: 2024-01-20. Review status: criteria provided, single submitter. Criteria: ACMG Guidelines, 2015. Collection method: clinical testing. Allele origin: unknown.

Labcorp Genetics (formerly Invitae), Labcorp
Classification: Pathogenic for Pyruvate dehydrogenase E1-beta deficiency. Last evaluated: 2023-07-24. Review status: criteria provided, single submitter. Criteria: Invitae Variant Classification Sherloc (09022015). Collection method: clinical testing. Allele origin: germline.
Comment: For these reasons, this variant has been classified as Pathogenic. This variant has not been reported in the literature in individuals affected with PDHB-related conditions. This variant is present in population databases (no rsID available, gnomAD 0.0009%). This sequence change creates a premature translational stop signal (p.Lys80Glufs*4) in the PDHB gene. It is expected to result in an absent or disrupted protein product. Loss-of-function variants in PDHB are known to be pathogenic (PMID: 21914562, 25356417).

Literature cited by the submitters: PubMed 21914562 (cited by Labcorp Genetics (formerly Invitae), Labcorp); PubMed 25356417 (cited by Labcorp Genetics (formerly Invitae), Labcorp).

NM_000925.4(PDHB):c.238_239del (p.Lys80fs)

Gene: PDHB (pyruvate dehydrogenase E1 subunit beta; minus strand). Cytogenetic location: 3p14.3.
Variant type: Deletion.
Coding change: c.238_239del on transcript NM_000925.4 (MANE Select); coding-DNA positions 238 to 239, 2 bases deleted (AA; older notation c.238_239delAA).
Protein change: p.Lys80fs; shifts the reading frame from lysine 80.
Molecular consequence: frameshift variant. On other transcripts: non-coding transcript variant (1).
Genome position (GRCh38, 1-based): chr3:58,431,759-58,431,760, TT deleted on the plus strand (AA on the coding strand, the reverse complement: PDHB is on the minus strand). VCF-style (leftmost placement, unchanged base first): chr3-58431758-CTT-C. GRCh37 (hg19) VCF-style: chr3-58417485-CTT-C.
Other names: c.238_239del, p.Lys80fs (NM_001173468.2); c.184_185del, p.Lys62fs (NM_001315536.2); short protein forms K62fs, K80fs.
Identifiers: ClinVar variation 2732344 (VCV002732344.4), dbSNP rs1390415306, ClinGen allele CA543261761.